The following is an entry in ClinVar:

NM_017636.4(TRPM4):c.1003A>G (p.Ile335Val)

Gene: TRPM4 (transient receptor potential cation channel subfamily M member 4; plus strand). Cytogenetic location: 19q13.33.
Variant type: single nucleotide variant.
Coding change: c.1003A>G on transcript NM_017636.4 (MANE Select); coding-DNA position 1003, A replaced by G.
Protein change: p.Ile335Val; replaces isoleucine 335 with valine.
Molecular consequence: missense variant. On other transcripts: 5 prime UTR variant (1).
Genome position (GRCh38, 1-based): chr19:49,171,722, A>G. VCF-style: chr19-49171722-A-G. GRCh37 (hg19) VCF-style: chr19-49674979-A-G.
Other names: c.1003A>G, p.Ile335Val (NM_001195227.2); c.658A>G, p.Ile220Val (NM_001321281.2); c.-551A>G (NM_001321282.2); c.481A>G, p.Ile161Val (NM_001321283.2); c.154A>G, p.Ile52Val (NM_001321285.2); short protein forms I335V, I161V, I52V, I220V.
Identifiers: ClinVar variation 241172 (VCV000241172.12), dbSNP rs758151540, ClinGen allele CA9569037.

ClinVar aggregate classification (germline): Conflicting classifications of pathogenicity. Review status: criteria provided, conflicting classifications (1 of 4 stars). 3 submissions from 3 submitters: Uncertain significance (2); Likely benign (1). Last evaluated 2026-06-29.

Conditions:
Cardiovascular phenotype. Identifiers: MedGen CN230736.
Erythrokeratodermia variabilis et progressiva 6. Identifiers: MedGen C5193144, MONDO:0032801, OMIM 618531.
Progressive familial heart block type IB (PFHB1B). Identifiers: Orphanet 871, MedGen C1970298, MONDO:0011474, OMIM 604559.

Allele frequency attached by ClinVar (database versions not stated): gnomAD 0.00001; gnomAD exomes 0.00002 and 0.00001; TOPMed 0.00002; ExAC 0.00002.
gnomAD v4.1: 10 of 1,613,094 alleles (0.00062%); highest among the groups gnomAD compares: Non-Finnish European, 0.00085%; no homozygotes.

Submissions (3):

Ambry Genetics
Classification: Likely benign for Cardiovascular phenotype. Last evaluated: 2026-06-29. Review status: criteria provided, single submitter. Criteria: Ambry Variant Classification Scheme 2023. Collection method: clinical testing. Allele origin: germline.

Labcorp Genetics (formerly Invitae), Labcorp
Classification: Uncertain significance for Progressive familial heart block type IB. Last evaluated: 2024-12-24. Review status: criteria provided, single submitter. Criteria: Invitae Variant Classification Sherloc (09022015). Collection method: clinical testing. Allele origin: germline.
Comment: This sequence change replaces isoleucine, which is neutral and non-polar, with valine, which is neutral and non-polar, at codon 335 of the TRPM4 protein (p.Ile335Val). This variant is present in population databases (rs758151540, gnomAD 0.005%). This variant has not been reported in the literature in individuals affected with TRPM4-related conditions. ClinVar contains an entry for this variant (Variation ID: 241172). An algorithm developed to predict the effect of missense changes on protein structure and function outputs the following: PolyPhen-2: "Benign". The valine amino acid residue is found in multiple mammalian species, which suggests that this missense change does not adversely affect protein function. In summary, the available evidence is currently insufficient to determine the role of this variant in disease. Therefore, it has been classified as a Variant of Uncertain Significance.

Department of Pathology and Laboratory Medicine, Sinai Health System
Classification: Uncertain significance for Progressive familial heart block type IB; Erythrokeratodermia variabilis et progressiva 6. Last evaluated: 2021-12-22. Review status: criteria provided, single submitter. Criteria: ACMG Guidelines, 2015. Collection method: research. Allele origin: germline.